The following is an entry in ClinVar:

ClinVar aggregate classification (germline): Uncertain significance (1 of 4 stars; one submission).

Conditions:
Thrombocytopenia 1. Also called: THROMBOCYTOPENIA, X-LINKED, 1; X-Linked Thrombocytopenia (XLT); X-linked thrombocytopenia with normal platelets. Identifiers: Orphanet 268322, Orphanet 852, MedGen C1839163, MONDO:0010743, OMIM 313900.
Wiskott-Aldrich syndrome (WAS). Also called: ALDRICH SYNDROME; IMMUNODEFICIENCY 2; WISKOTT-ALDRICH SYNDROME 1; Wiskott-aldrich syndrome, somatic. Identifiers: Orphanet 906, MedGen C0043194, MONDO:0010518, OMIM 301000.
X-linked severe congenital neutropenia (SCNX). Identifiers: Orphanet 86788, MedGen C1845987, MONDO:0010294, OMIM 300299.

Submission:

Labcorp Genetics (formerly Invitae), Labcorp
Classification: Uncertain significance for Wiskott-Aldrich syndrome; X-linked severe congenital neutropenia; Thrombocytopenia 1. Last evaluated: 2023-02-28. Review status: criteria provided, single submitter. Criteria: Invitae Variant Classification Sherloc (09022015). Collection method: clinical testing. Allele origin: germline.
Comment: In summary, the available evidence is currently insufficient to determine the role of this variant in disease. Therefore, it has been classified as a Variant of Uncertain Significance. Variants that disrupt the consensus splice site are a relatively common cause of aberrant splicing (PMID: 17576681, 9536098). Algorithms developed to predict the effect of sequence changes on RNA splicing suggest that this variant may disrupt the consensus splice site. This variant has not been reported in the literature in individuals affected with WAS-related conditions. This variant is not present in population databases (gnomAD no frequency). This sequence change affects codon 91 of the WAS mRNA. It is a 'silent' change, meaning that it does not change the encoded amino acid sequence of the WAS protein. This variant also falls at the last nucleotide of exon 2, which is part of the consensus splice site for this exon.

Literature cited by the submitters: PubMed 17576681; PubMed 9536098.

NM_000377.3(WAS):c.273G>A (p.Gln91=)

Gene: WAS (WASP actin nucleation promoting factor; plus strand). Cytogenetic location: Xp11.23.
Variant type: single nucleotide variant.
Coding change: c.273G>A on transcript NM_000377.3 (MANE Select); coding-DNA position 273, G replaced by A.
Protein change: p.Gln91=; no amino-acid change (glutamine 91 retained).
Molecular consequence: synonymous variant.
Genome position (GRCh38, 1-based): chrX:48,684,423, G>A. VCF-style: chrX-48684423-G-A. GRCh37 (hg19) VCF-style: chrX-48542812-G-A.
Identifiers: ClinVar variation 2944728 (VCV002944728.3), dbSNP rs2519278721, ClinGen allele CA516022718.